The following is an entry in ClinVar:

NM_032119.4(ADGRV1):c.12979G>A (p.Gly4327Arg)

Gene: ADGRV1 (adhesion G protein-coupled receptor V1; plus strand). Cytogenetic location: 5q14.3.
Variant type: single nucleotide variant.
Coding change: c.12979G>A on transcript NM_032119.4 (MANE Select); coding-DNA position 12979, G replaced by A.
Protein change: p.Gly4327Arg; replaces glycine 4327 with arginine.
Molecular consequence: missense variant. On other transcripts: non-coding transcript variant (1).
Genome position (GRCh38, 1-based): chr5:90,778,994, G>A. VCF-style: chr5-90778994-G-A. GRCh37 (hg19) VCF-style: chr5-90074811-G-A.
Other names: short protein forms G4327R.
Identifiers: ClinVar variation 585368 (VCV000585368.11), dbSNP rs1251839466, ClinGen allele CA360389742.

ClinVar aggregate classification (germline): Conflicting classifications of pathogenicity. Review status: criteria provided, conflicting classifications (1 of 4 stars). 3 submissions from 3 submitters: Uncertain significance (2); Likely benign (1). Last evaluated 2025-03-17.

Conditions:
Inborn genetic diseases. Identifiers: MedGen C0950123, MeSH D030342.

Allele frequency attached by ClinVar (database versions not stated): gnomAD 0.00001; TOPMed 0.00001; gnomAD exomes 0.00002 and 0.00003.
gnomAD v4.1: 39 of 1,613,308 alleles (0.0024%); highest among the groups gnomAD compares: Non-Finnish European, 0.0032%; no homozygotes.

Submissions (3):

Labcorp Genetics (formerly Invitae), Labcorp
Classification: Uncertain significance. Last evaluated: 2025-03-17. Review status: criteria provided, single submitter. Criteria: Invitae Variant Classification Sherloc (09022015). Collection method: clinical testing. Allele origin: germline.
Comment: This sequence change replaces glycine, which is neutral and non-polar, with arginine, which is basic and polar, at codon 4327 of the ADGRV1 protein (p.Gly4327Arg). This variant is present in population databases (no rsID available, gnomAD 0.004%). This variant has not been reported in the literature in individuals affected with ADGRV1-related conditions. ClinVar contains an entry for this variant (Variation ID: 585368). Invitae Evidence Modeling of protein sequence and biophysical properties (such as structural, functional, and spatial information, amino acid conservation, physicochemical variation, residue mobility, and thermodynamic stability) indicates that this missense variant is not expected to disrupt ADGRV1 protein function with a negative predictive value of 95%. In summary, the available evidence is currently insufficient to determine the role of this variant in disease. Therefore, it has been classified as a Variant of Uncertain Significance.

Ambry Genetics
Classification: Likely benign for Inborn genetic diseases. Last evaluated: 2024-11-14. Review status: criteria provided, single submitter. Criteria: Ambry Variant Classification Scheme 2023. Collection method: clinical testing. Allele origin: germline.

Athena Diagnostics
Classification: Uncertain significance. Last evaluated: 2020-04-08. Review status: criteria provided, single submitter. Criteria: Athena Diagnostics Criteria. Collection method: clinical testing. Allele origin: unknown.